The following is an entry in ClinVar:

ClinVar aggregate classification (germline): Conflicting classifications of pathogenicity. Review status: criteria provided, conflicting classifications (1 of 4 stars). 4 submissions from 3 submitters: Uncertain significance (2); Likely benign (2). Last evaluated 2025-10-27.

Conditions:
SETX-related disorder. Also called: SETX-related condition; SETX-related disorders. Identifiers: MedGen CN239403.
Spinocerebellar ataxia, autosomal recessive, with axonal neuropathy 2 (SCAN2). Also called: Ataxia with Oculomotor Apraxia Type 2; ATAXIA-OCULOMOTOR APRAXIA 2; Ataxia-ocular apraxia-2; Ataxia with Oculomotor Apraxia. Identifiers: Orphanet 64753, MedGen C1853761, MONDO:0018996, OMIM 606002.
Amyotrophic lateral sclerosis type 4 (ALS4). Also called: AMYOTROPHIC LATERAL SCLEROSIS 4, JUVENILE; NEURONOPATHY, DISTAL HEREDITARY MOTOR, WITH PYRAMIDAL FEATURES. Identifiers: Orphanet 357043, MedGen C1865409, MONDO:0011223, OMIM 602433.

Allele frequency attached by ClinVar (database versions not stated): gnomAD 0.00003; gnomAD exomes 0.00003 and 0.00004; ExAC 0.00004; TOPMed 0.00005; ESP Exome Variant Server 0.00015.
gnomAD v4.1: 59 of 1,608,450 alleles (0.0037%); highest among the groups gnomAD compares: South Asian, 0.0055%; no homozygotes.

Submissions (4):

PreventionGenetics, part of Exact Sciences
Classification: Uncertain significance for SETX-related condition. Last evaluated: 2025-10-27. Review status: criteria provided, single submitter. Criteria: ACMG Guidelines, 2015. Collection method: clinical testing. Allele origin: germline.
Comment: The SETX c.710A>G variant is predicted to result in the amino acid substitution p.Tyr237Cys. This variant has been reported in an individual with amyotrophic lateral sclerosis (ALS) (Table S14, Chen et al. 2022. PubMed ID: 34544842). This variant is reported in 0.013% of alleles in individuals of South Asian descent in gnomAD. At this time, the clinical significance of this variant is uncertain due to the absence of conclusive functional and genetic evidence.

Labcorp Genetics (formerly Invitae), Labcorp
Classification: Likely benign for Amyotrophic lateral sclerosis type 4; Spinocerebellar ataxia, autosomal recessive, with axonal neuropathy 2. Last evaluated: 2025-09-28. Review status: criteria provided, single submitter. Criteria: Invitae Variant Classification Sherloc (09022015). Collection method: clinical testing. Allele origin: germline.

Illumina Laboratory Services, Illumina
Classification: Likely benign for Amyotrophic lateral sclerosis type 4. Last evaluated: 2018-01-12. Review status: criteria provided, single submitter. Criteria: ICSL Variant Classification Criteria 13 December 2019. Collection method: clinical testing. Allele origin: germline.
Comment: This variant was observed in the ICSL laboratory as part of a predisposition screen in an ostensibly healthy population. It had not been previously curated by ICSL or reported in the Human Gene Mutation Database (HGMD: prior to June 1st, 2018), and was therefore a candidate for classification through an automated scoring system. Utilizing variant allele frequency, disease prevalence and penetrance estimates, and inheritance mode, an automated score was calculated to assess if this variant is too frequent to cause the disease. Based on the score and internal cut-off values, a variant classified as likely benign is not then subjected to further curation. The score for this variant resulted in a classification of likely benign for this disease.

Illumina Laboratory Services, Illumina
Classification: Uncertain significance for Spinocerebellar ataxia, autosomal recessive, with axonal neuropathy 2. Last evaluated: 2018-01-12. Review status: criteria provided, single submitter. Criteria: ICSL Variant Classification Criteria 13 December 2019. Collection method: clinical testing. Allele origin: germline.

NM_015046.7(SETX):c.710A>G (p.Tyr237Cys)

Gene: SETX (senataxin; minus strand). Cytogenetic location: 9q34.13.
Variant type: single nucleotide variant.
Coding change: c.710A>G on transcript NM_015046.7 (MANE Select); coding-DNA position 710, A replaced by G.
Protein change: p.Tyr237Cys; replaces tyrosine 237 with cysteine.
Molecular consequence: missense variant.
Genome position (GRCh38, 1-based): chr9:132,336,304, T>C on the plus strand (A>G on the coding strand, the complement: SETX is on the minus strand). VCF-style: chr9-132336304-T-C. GRCh37 (hg19) VCF-style: chr9-135211691-T-C.
Other names: c.710A>G, p.Tyr237Cys (NM_001351527.2, NM_001351528.2); short protein forms Y237C.
Identifiers: ClinVar variation 365374 (VCV000365374.11), dbSNP rs138538492, ClinGen allele CA5297977.